The following is an entry in ClinVar:

NM_001136191.3(KANK2):c.1573G>A (p.Asp525Asn)

Gene: KANK2 (KN motif and ankyrin repeat domains 2; minus strand). Cytogenetic location: 19p13.2.
Variant type: single nucleotide variant.
Coding change: c.1573G>A on transcript NM_001136191.3 (MANE Select); coding-DNA position 1573, G replaced by A.
Protein change: p.Asp525Asn; replaces aspartic acid 525 with asparagine.
Molecular consequence: missense variant.
Genome position (GRCh38, 1-based): chr19:11,176,765, C>T on the plus strand (G>A on the coding strand, the complement: KANK2 is on the minus strand). VCF-style: chr19-11176765-C-T. GRCh37 (hg19) VCF-style: chr19-11287441-C-T.
Other names: c.1573G>A, p.Asp525Asn (NM_001329451.2, NM_001379555.1, NM_001379556.1 and 7 more transcripts); c.1597G>A, p.Asp533Asn (NM_001379548.1, NM_001379549.1, NM_001379550.1 and 5 more transcripts); c.1597G>A (NM_015493.6); short protein forms D525N, D533N.
Identifiers: ClinVar variation 1354898 (VCV001354898.7), dbSNP rs778714545, ClinGen allele CA9205593.

ClinVar aggregate classification (germline): Uncertain significance. Review status: criteria provided, multiple submitters, no conflicts (2 of 4 stars). 2 submissions from 2 submitters: Uncertain significance (2). Last evaluated 2025-06-18.

Allele frequency attached by ClinVar (database versions not stated): TOPMed below 0.00001; gnomAD 0.00001; gnomAD exomes 0.00001 and 0.00003; ExAC 0.00002.
gnomAD v4.1: 10 of 1,598,926 alleles (0.00063%); highest among the groups gnomAD compares: East Asian, 0.009%; no homozygotes.

Submissions (2):

Labcorp Genetics (formerly Invitae), Labcorp
Classification: Uncertain significance. Last evaluated: 2025-06-18. Review status: criteria provided, single submitter. Criteria: Invitae Variant Classification Sherloc (09022015). Collection method: clinical testing. Allele origin: germline.
Comment: This sequence change replaces aspartic acid, which is acidic and polar, with asparagine, which is neutral and polar, at codon 525 of the KANK2 protein (p.Asp525Asn). This variant is present in population databases (rs778714545, gnomAD 0.02%). This variant has not been reported in the literature in individuals affected with KANK2-related conditions. ClinVar contains an entry for this variant (Variation ID: 1354898). An algorithm developed to predict the effect of missense changes on protein structure and function (PolyPhen-2) suggests that this variant is likely to be tolerated. In summary, the available evidence is currently insufficient to determine the role of this variant in disease. Therefore, it has been classified as a Variant of Uncertain Significance.

Ambry Genetics
Classification: Uncertain significance. Last evaluated: 2023-04-18. Review status: criteria provided, single submitter. Criteria: Ambry Variant Classification Scheme 2023. Collection method: clinical testing. Allele origin: germline.